The following is an entry in ClinVar:

NM_020738.4(KIDINS220):c.5207G>A (p.Arg1736Gln)

Gene: KIDINS220 (kinase D interacting substrate 220; minus strand). Cytogenetic location: 2p25.1.
Variant type: single nucleotide variant.
Coding change: c.5207G>A on transcript NM_020738.4 (MANE Select); coding-DNA position 5207, G replaced by A.
Protein change: p.Arg1736Gln; replaces arginine 1736 with glutamine.
Molecular consequence: missense variant. On other transcripts: intron variant (6).
Genome position (GRCh38, 1-based): chr2:8,730,829, C>T on the plus strand (G>A on the coding strand, the complement: KIDINS220 is on the minus strand). VCF-style: chr2-8730829-C-T. GRCh37 (hg19) VCF-style: chr2-8870959-C-T.
Other names: c.5210G>A, p.Arg1737Gln (NM_001348729.2); c.5153G>A, p.Arg1718Gln (NM_001348731.2); c.5150G>A, p.Arg1717Gln (NM_001348732.2); c.5039G>A, p.Arg1680Gln (NM_001348734.2); c.5036G>A, p.Arg1679Gln (NM_001348735.2); c.4910G>A, p.Arg1637Gln (NM_001348736.2); c.3882+2615G>A (NM_001348741.2, NM_001348742.2, NM_001348743.2); c.3996+2615G>A (NM_001348738.2); and 2 more; short protein forms R1637Q, R1679Q, R1717Q, R1718Q, R1737Q, R1736Q, R1680Q.
Identifiers: ClinVar variation 2142281 (VCV002142281.3), dbSNP rs375496239, ClinGen allele CA1519235.

ClinVar aggregate classification (germline): Uncertain significance. Review status: criteria provided, multiple submitters, no conflicts (2 of 4 stars). 2 submissions from 2 submitters: Uncertain significance (2). Last evaluated 2025-06-20.

Conditions:
KIDINS220-related disorder. Also called: KIDINS220-related condition.

Allele frequency attached by ClinVar (database versions not stated): ExAC 0.00007; ESP Exome Variant Server 0.00017; TOPMed 0.00003; gnomAD 0.00004; gnomAD exomes 0.00004.
gnomAD v4.1: 64 of 1,614,086 alleles (0.004%); highest among the groups gnomAD compares: South Asian, 0.014%; no homozygotes.

Submissions (2):

PreventionGenetics, part of Exact Sciences
Classification: Uncertain significance for KIDINS220-related condition. Last evaluated: 2025-06-20. Review status: criteria provided, single submitter. Criteria: ACMG Guidelines, 2015. Collection method: clinical testing. Allele origin: germline.
Comment: The KIDINS220 c.5207G>A variant is predicted to result in the amino acid substitution p.Arg1736Gln. To our knowledge, this variant has not been reported in the literature. This variant is reported in 0.014% of alleles in individuals of Latino descent in gnomAD. At this time, the clinical significance of this variant is uncertain due to the absence of conclusive functional and genetic evidence.

Labcorp Genetics (formerly Invitae), Labcorp
Classification: Uncertain significance. Last evaluated: 2024-01-22. Review status: criteria provided, single submitter. Criteria: Invitae Variant Classification Sherloc (09022015). Collection method: clinical testing. Allele origin: germline.
Comment: This sequence change replaces arginine, which is basic and polar, with glutamine, which is neutral and polar, at codon 1736 of the KIDINS220 protein (p.Arg1736Gln). This variant is present in population databases (rs375496239, gnomAD 0.01%). This variant has not been reported in the literature in individuals affected with KIDINS220-related conditions. ClinVar contains an entry for this variant (Variation ID: 2142281). An algorithm developed to predict the effect of missense changes on protein structure and function (PolyPhen-2) suggests that this variant is likely to be disruptive. In summary, the available evidence is currently insufficient to determine the role of this variant in disease. Therefore, it has been classified as a Variant of Uncertain Significance.